The following is an entry in ClinVar:

ClinVar aggregate classification (germline): Pathogenic (1 of 4 stars; one submission).

Submission:

Labcorp Genetics (formerly Invitae), Labcorp
Classification: Pathogenic. Last evaluated: 2024-01-11. Review status: criteria provided, single submitter. Criteria: Invitae Variant Classification Sherloc (09022015). Collection method: clinical testing. Allele origin: germline.
Comment: This sequence change creates a premature translational stop signal (p.Lys1270Glufs*2) in the KMT2A gene. It is expected to result in an absent or disrupted protein product. Loss-of-function variants in KMT2A are known to be pathogenic (PMID: 22795537, 25810209, 29574747). This variant is not present in population databases (gnomAD no frequency). This variant has not been reported in the literature in individuals affected with KMT2A-related conditions. For these reasons, this variant has been classified as Pathogenic.

Literature cited by the submitters: PubMed 22795537; PubMed 25810209; PubMed 29574747.

NM_001197104.2(KMT2A):c.3808_3809del (p.Lys1270fs)

Gene: KMT2A (lysine methyltransferase 2A; plus strand). Cytogenetic location: 11q23.3.
Variant type: Deletion.
Coding change: c.3808_3809del on transcript NM_001197104.2 (MANE Select); coding-DNA positions 3808 to 3809, 2 bases deleted (AA; older notation c.3808_3809delAA).
Protein change: p.Lys1270fs; shifts the reading frame from lysine 1270.
Molecular consequence: frameshift variant.
Genome position (GRCh38, 1-based): chr11:118,481,888-118,481,889, AA deleted; deleting any 2 consecutive bases within chr11:118,481,886-118,481,889 gives the same sequence; the c. name uses the placement nearest the transcript's 3' end. VCF-style (leftmost placement, unchanged base first): chr11-118481885-GAA-G. GRCh37 (hg19) VCF-style: chr11-118352600-GAA-G.
Other names: c.3907_3908del, p.Lys1303fs (NM_001412597.1); c.3808_3809del, p.Lys1270fs (NM_005933.4); short protein forms K1303fs, K1270fs.
Identifiers: ClinVar variation 2708941 (VCV002708941.3), dbSNP rs2134300317, ClinGen allele CA2697559001.
Genomic context (GRCh38, chr11:118,481,885, plus strand): 5'-AGAGAGGATCCTGCCCCAAAGAAAAGCAGTAGTGAGCCTCCTCCACGAAAGCCCGTCGAG[GAA>G]AAGAGTGAAGAAGGGAATGTCTCGGCCCCTGGGCCTGAATCCAAACAGGCCACCACTCCA-3'